The following is an entry in ClinVar:

ClinVar aggregate classification (germline): Uncertain significance (1 of 4 stars; one submission).

gnomAD v4.1: 2 of 1,560,094 alleles (0.00013%); highest among the groups gnomAD compares: African/African-American, 0.0028%; no homozygotes.

Submission:

Labcorp Genetics (formerly Invitae), Labcorp
Classification: Uncertain significance. Last evaluated: 2024-09-16. Review status: criteria provided, single submitter. Criteria: Invitae Variant Classification Sherloc (09022015). Collection method: clinical testing. Allele origin: germline.
Comment: This sequence change replaces leucine, which is neutral and non-polar, with arginine, which is basic and polar, at codon 387 of the TFRC protein (p.Leu387Arg). This variant is not present in population databases (gnomAD no frequency). This variant has not been reported in the literature in individuals affected with TFRC-related conditions. Invitae Evidence Modeling of protein sequence and biophysical properties (such as structural, functional, and spatial information, amino acid conservation, physicochemical variation, residue mobility, and thermodynamic stability) indicates that this missense variant is not expected to disrupt TFRC protein function with a negative predictive value of 80%. In summary, the available evidence is currently insufficient to determine the role of this variant in disease. Therefore, it has been classified as a Variant of Uncertain Significance.

NM_001128148.3(TFRC):c.1160T>G (p.Leu387Arg)

Gene: TFRC (transferrin receptor; minus strand). Cytogenetic location: 3q29.
Variant type: single nucleotide variant.
Coding change: c.1160T>G on transcript NM_001128148.3 (MANE Select); coding-DNA position 1160, T replaced by G.
Protein change: p.Leu387Arg; replaces leucine 387 with arginine.
Molecular consequence: missense variant.
Genome position (GRCh38, 1-based): chr3:196,065,481, A>C on the plus strand (T>G on the coding strand, the complement: TFRC is on the minus strand). VCF-style: chr3-196065481-A-C. GRCh37 (hg19) VCF-style: chr3-195792352-A-C.
Other names: c.917T>G, p.Leu306Arg (NM_001313965.2); c.314T>G, p.Leu105Arg (NM_001313966.2); c.1160T>G, p.Leu387Arg (NM_003234.4); short protein forms L105R, L306R, L387R.
Identifiers: ClinVar variation 3616817 (VCV003616817.2).